The following is an entry in ClinVar:

ClinVar aggregate classification (germline): Likely benign (1 of 4 stars; one submission).

Conditions:
Familial hypercholesterolemia. Also called: Familial hypercholesterolemias; Familial hypercholesterolaemia. Identifiers: MedGen C0020445, MONDO:0005439.

Submission:

GENinCode PLC
Classification: Likely benign for Familial hypercholesterolemia. Last evaluated: 2026-07-21. Review status: criteria provided, single submitter. Criteria: ACMG Guidelines, 2015. Collection method: clinical testing. Allele origin: germline.
Comment: This is a synonymous (silent) variant that is not predicted to impact splicing and occurs at a nucleotide which is not highly conserved. This variant has been classified as Likely Benign (BP4, BP7).

NM_000384.3(APOB):c.5985C>T (p.Asp1995=)

Gene: APOB (apolipoprotein B; minus strand). Cytogenetic location: 2p24.1.
Variant type: single nucleotide variant.
Coding change: c.5985C>T on transcript NM_000384.3 (MANE Select); coding-DNA position 5985, C replaced by T.
Protein change: p.Asp1995=; no amino-acid change (aspartic acid 1995 retained).
Molecular consequence: synonymous variant.
Genome position (GRCh38, 1-based): chr2:21,010,883, G>A on the plus strand (C>T on the coding strand, the complement: APOB is on the minus strand). VCF-style: chr2-21010883-G-A. GRCh37 (hg19) VCF-style: chr2-21233755-G-A.
Identifiers: ClinVar variation 4888251 (VCV004888251.1).
Genomic context (GRCh38, chr2:21,010,883, plus strand): 5'-AGCCAGAGTTCGTCCAGTAAGCTCCACGCCAATTTTATCTTTAGTGTTGTAAGCATCCAA[G>A]TCCTGGCTGTATTCATTGTTGTTAAATTGGGTCTTGAGTTTCCAGGTGCCTGTCTGCTCA-3'
Protein context (NP_000375.3, residues 1985-2005): TQFNNNEYSQ[Asp1995=]LDAYNTKDKI